The following is an entry in ClinVar:

NM_001453.3(FOXC1):c.727G>T (p.Ala243Ser)

Gene: FOXC1 (forkhead box C1; plus strand). Cytogenetic location: 6p25.3.
Variant type: single nucleotide variant.
Coding change: c.727G>T on transcript NM_001453.3 (MANE Select); coding-DNA position 727, G replaced by T.
Protein change: p.Ala243Ser; replaces alanine 243 with serine.
Molecular consequence: missense variant.
Genome position (GRCh38, 1-based): chr6:1,611,172, G>T. VCF-style: chr6-1611172-G-T. GRCh37 (hg19) VCF-style: chr6-1611407-G-T.
Other names: c.727G>T (NM_001453.2); short protein forms A243S.
Identifiers: ClinVar variation 2188056 (VCV002188056.5), dbSNP rs765414694, ClinGen allele CA3614816.

ClinVar aggregate classification (germline): Likely benign. Review status: criteria provided, multiple submitters, no conflicts (2 of 4 stars). 2 submissions from 2 submitters: Likely benign (2). Last evaluated 2026-01-25.

Conditions:
FOXC1-related disorder. Also called: FOXC1-related condition.
Axenfeld-Rieger syndrome type 3 (RIEG3). Also called: AXENFELD-RIEGER ANOMALY WITH CARDIAC DEFECTS AND/OR SENSORINEURAL HEARING LOSS. Identifiers: Orphanet 782, MedGen C2678503, MONDO:0011233, OMIM 602482.

Allele frequency attached by ClinVar (database versions not stated): TOPMed 0.00003; gnomAD 0.00015; gnomAD exomes 0.00028; ExAC 0.00041; 1000 Genomes Project 30x 0.00078.

Submissions (2):

Labcorp Genetics (formerly Invitae), Labcorp
Classification: Likely benign for Axenfeld-Rieger syndrome type 3. Last evaluated: 2026-01-25. Review status: criteria provided, single submitter. Criteria: Invitae Variant Classification Sherloc (09022015). Collection method: clinical testing. Allele origin: germline.

PreventionGenetics, part of Exact Sciences
Classification: Likely benign for FOXC1-related condition. Last evaluated: 2024-12-01. Review status: criteria provided, single submitter. Criteria: ACMG Guidelines, 2015. Collection method: clinical testing. Allele origin: germline.
Comment: This variant is classified as likely benign based on ACMG/AMP sequence variant interpretation guidelines (Richards et al. 2015 PMID: 25741868, with internal and published modifications).